The following is an entry in ClinVar:

ClinVar aggregate classification (germline): Likely benign (0 of 4 stars; one submission).

Conditions:
NCOR2-related disorder. Also called: NCOR2-related condition.

Allele frequency attached by ClinVar (database versions not stated): gnomAD 0.00001.
gnomAD v4.1: 51 of 1,612,868 alleles (0.0032%); highest among the groups gnomAD compares: Middle Eastern, 0.3%; 2 homozygotes.

Submission:

PreventionGenetics, part of Exact Sciences
Classification: Likely benign for NCOR2-related condition. Last evaluated: 2019-04-25. Review status: no assertion criteria provided. Collection method: clinical testing. Allele origin: germline.
Comment: This variant is classified as likely benign based on ACMG/AMP sequence variant interpretation guidelines (Richards et al. 2015 PMID: 25741868, with internal and published modifications).

NM_006312.6(NCOR2):c.5379G>A (p.Ser1793=)

Gene: NCOR2 (nuclear receptor corepressor 2; minus strand). Cytogenetic location: 12q24.31.
Variant type: single nucleotide variant.
Coding change: c.5379G>A on transcript NM_006312.6 (MANE Select); coding-DNA position 5379, G replaced by A.
Protein change: p.Ser1793=; no amino-acid change (serine 1793 retained).
Molecular consequence: synonymous variant.
Genome position (GRCh38, 1-based): chr12:124,340,403, C>T on the plus strand (G>A on the coding strand, the complement: NCOR2 is on the minus strand). VCF-style: chr12-124340403-C-T. GRCh37 (hg19) VCF-style: chr12-124824949-C-T.
Other names: c.5349G>A, p.Ser1783= (NM_001077261.4, NM_001206654.2).
Identifiers: ClinVar variation 3040147 (VCV003040147.2), dbSNP rs747685237, ClinGen allele CA6867944.